The following is an entry in ClinVar:

ClinVar aggregate classification (germline): Uncertain significance (1 of 4 stars; one submission).

Allele frequency attached by ClinVar (database versions not stated): gnomAD 0.00001; gnomAD exomes 0.00001.

Submission:

Labcorp Genetics (formerly Invitae), Labcorp
Classification: Uncertain significance. Last evaluated: 2026-01-04. Review status: criteria provided, single submitter. Criteria: Invitae Variant Classification Sherloc (09022015). Collection method: clinical testing. Allele origin: germline.
Comment: This sequence change replaces proline, which is neutral and non-polar, with serine, which is neutral and polar, at codon 224 of the ELOVL5 protein (p.Pro224Ser). This variant is not present in population databases (gnomAD no frequency). This missense change has been observed in individual(s) with clinical features of spinocerebellar ataxia (internal data). ClinVar contains an entry for this variant (Variation ID: 2905253). Invitae Evidence Modeling of protein sequence and biophysical properties (such as structural, functional, and spatial information, amino acid conservation, physicochemical variation, residue mobility, and thermodynamic stability) indicates that this missense variant is not expected to disrupt ELOVL5 protein function with a negative predictive value of 80%. In summary, the available evidence is currently insufficient to determine the role of this variant in disease. Therefore, it has been classified as a Variant of Uncertain Significance.

NM_021814.5(ELOVL5):c.670C>T (p.Pro224Ser)

Gene: ELOVL5 (ELOVL fatty acid elongase 5; minus strand). Cytogenetic location: 6p12.1.
Variant type: single nucleotide variant.
Coding change: c.670C>T on transcript NM_021814.5 (MANE Select); coding-DNA position 670, C replaced by T.
Protein change: p.Pro224Ser; replaces proline 224 with serine.
Molecular consequence: missense variant.
Genome position (GRCh38, 1-based): chr6:53,270,679, G>A on the plus strand (C>T on the coding strand, the complement: ELOVL5 is on the minus strand). VCF-style: chr6-53270679-G-A. GRCh37 (hg19) VCF-style: chr6-53135477-G-A.
Other names: c.751C>T, p.Pro251Ser (NM_001242828.2); c.545C>T, p.Ala182Val (NM_001242830.2); c.670C>T, p.Pro224Ser (NM_001301856.2); short protein forms A182V, P224S, P251S.
Identifiers: ClinVar variation 2905253 (VCV002905253.3), dbSNP rs1765885881, ClinGen allele CA364474474.
Genomic context (GRCh38, chr6:53,270,679, plus strand): 5'-CAATCAGGGAAATCATGTATCCAATCTGGAAATACAACCAACCAAGAGGGAATGTGCACG[G>A]CCAGATGACCCCGCAGCTGGTCTGGATGATTGTCAGCACAAACTGAAGCTAGGGGAACAG-3'
Protein context (NP_068586.1, residues 214-234): IIQTSCGVIW[Pro224Ser]CTFPLGWLYF